The following is an entry in ClinVar:

ClinVar aggregate classification (germline): Uncertain significance. Review status: criteria provided, multiple submitters, no conflicts (2 of 4 stars). 3 submissions from 3 submitters: Uncertain significance (3). Last evaluated 2026-01-20.

Conditions:
Retinal dystrophy. Also called: Inherited retinal dystrophy. Identifiers: Orphanet 71862, MedGen C0854723, MeSH D058499, MONDO:0019118, HP:0000556.

Allele frequency attached by ClinVar (database versions not stated): TOPMed below 0.00001; gnomAD 0.00001; gnomAD exomes 0.00003.
gnomAD v4.1: 45 of 1,575,414 alleles (0.0029%); highest among the groups gnomAD compares: East Asian, 0.0047%; no homozygotes.

Submissions (3):

Labcorp Genetics (formerly Invitae), Labcorp
Classification: Uncertain significance. Last evaluated: 2026-01-20. Review status: criteria provided, single submitter. Criteria: Invitae Variant Classification Sherloc (09022015). Collection method: clinical testing. Allele origin: germline.
Comment: This sequence change replaces arginine, which is basic and polar, with tryptophan, which is neutral and slightly polar, at codon 438 of the TULP1 protein (p.Arg438Trp). The frequency data for this variant in the population databases is considered unreliable, as metrics indicate poor data quality at this position in the gnomAD database. This variant has not been reported in the literature in individuals affected with TULP1-related conditions. ClinVar contains an entry for this variant (Variation ID: 2201995). Invitae Evidence Modeling of protein sequence and biophysical properties (such as structural, functional, and spatial information, amino acid conservation, physicochemical variation, residue mobility, and thermodynamic stability) indicates that this missense variant is expected to disrupt TULP1 protein function with a positive predictive value of 95%. In summary, the available evidence is currently insufficient to determine the role of this variant in disease. Therefore, it has been classified as a Variant of Uncertain Significance.

Blueprint Genetics
Classification: Uncertain significance. Last evaluated: 2024-10-14. Review status: criteria provided, single submitter. Criteria: ACMG Guidelines, 2015. Collection method: clinical testing. Allele origin: germline.

Dept Of Ophthalmology, Nagoya University
Classification: Uncertain significance for Retinal dystrophy. Last evaluated: 2023-10-01. Review status: criteria provided, single submitter. Criteria: Submitter's publication. Collection method: research. Allele origin: germline. Affected: yes.

NM_003322.6(TULP1):c.1312C>T (p.Arg438Trp)

Gene: TULP1 (TUB like protein 1; minus strand). Cytogenetic location: 6p21.31.
Variant type: single nucleotide variant.
Coding change: c.1312C>T on transcript NM_003322.6 (MANE Select); coding-DNA position 1312, C replaced by T.
Protein change: p.Arg438Trp; replaces arginine 438 with tryptophan.
Molecular consequence: missense variant.
Genome position (GRCh38, 1-based): chr6:35,503,570, G>A on the plus strand (C>T on the coding strand, the complement: TULP1 is on the minus strand). VCF-style: chr6-35503570-G-A. GRCh37 (hg19) VCF-style: chr6-35471347-G-A.
Other names: c.1153C>T, p.Arg385Trp (NM_001289395.2); short protein forms R385W, R438W.
Identifiers: ClinVar variation 2201995 (VCV002201995.5), dbSNP rs753820059, ClinGen allele CA137280952.
Genomic context (GRCh38, chr6:35,503,570, plus strand): 5'-TCCTGTTTCTCACATAGGGAGCCAGGGGCCAGGGAGGTGCGGGGCTCACATTTCGGGGCC[G>A]GATGGGGACCCTCTCGTTCTCCGCACTCATGCCAGGAATGATGACGGTCATGCGCCGGGG-3'
Protein context (NP_003313.3, residues 428-448): MSAENERVPI[Arg438Trp]PRNASDGLLV